The following is an entry in ClinVar:

ClinVar aggregate classification (germline): Pathogenic (1 of 4 stars; one submission).

Submission:

Labcorp Genetics (formerly Invitae), Labcorp
Classification: Pathogenic. Last evaluated: 2025-02-09. Review status: criteria provided, single submitter. Criteria: Invitae Variant Classification Sherloc (09022015). Collection method: clinical testing. Allele origin: germline.
Comment: This sequence change creates a premature translational stop signal (p.Gly993Aspfs*35) in the COL2A1 gene. It is expected to result in an absent or disrupted protein product. Loss-of-function variants in COL2A1 are known to be pathogenic (PMID: 20179744). This variant is not present in population databases (gnomAD no frequency). This variant has not been reported in the literature in individuals affected with COL2A1-related conditions. For these reasons, this variant has been classified as Pathogenic.

Literature cited by the submitters: PubMed 20179744.

NM_001844.5(COL2A1):c.2978del (p.Gly993fs)

Gene: COL2A1 (collagen type II alpha 1 chain; minus strand). Cytogenetic location: 12q13.11.
Variant type: Deletion.
Coding change: c.2978del on transcript NM_001844.5 (MANE Select); coding-DNA position 2978, one base deleted (G; older notation c.2978delG).
Protein change: p.Gly993fs; shifts the reading frame from glycine 993.
Molecular consequence: frameshift variant.
Genome position (GRCh38, 1-based): chr12:47,978,316, C deleted on the plus strand (G on the coding strand, the reverse complement: COL2A1 is on the minus strand); the first of 2 consecutive C bases (chr12:47,978,316-47,978,317); deleting either gives the same sequence. VCF-style (leftmost placement, unchanged base first): chr12-47978315-TC-T. GRCh37 (hg19) VCF-style: chr12-48372098-TC-T.
Other names: c.2771del, p.Gly924fs (NM_033150.3); short protein forms G993fs, G924fs.
Identifiers: ClinVar variation 3727384 (VCV003727384.2).